The following is an entry in ClinVar:

NM_003466.4(PAX8):c.1071C>T (p.Gly357=)

Gene: PAX8 (paired box 8; minus strand). Cytogenetic location: 2q14.1.
Variant type: single nucleotide variant.
Coding change: c.1071C>T on transcript NM_003466.4 (MANE Select); coding-DNA position 1071, C replaced by T.
Protein change: p.Gly357=; no amino-acid change (glycine 357 retained).
Molecular consequence: synonymous variant. On other transcripts: missense variant (1), intron variant (2).
Genome position (GRCh38, 1-based): chr2:113,235,410, G>A on the plus strand (C>T on the coding strand, the complement: PAX8 is on the minus strand). VCF-style: chr2-113235410-G-A. GRCh37 (hg19) VCF-style: chr2-113992987-G-A.
Other names: c.992C>T, p.Ala331Val (NM_013952.4); c.777+6141C>T (NM_013992.4, NM_013953.4); short protein forms A331V.
Identifiers: ClinVar variation 4996467 (VCV004996467.1).

ClinVar aggregate classification (germline): Uncertain significance (1 of 4 stars; one submission).

Conditions:
PAX8-related disorder. Also called: PAX8-related condition.

gnomAD v4.1: 1 of 1,589,584 alleles (0.000063%); highest among the groups gnomAD compares: Admixed American, 0.0018%; no homozygotes.

Submission:

PreventionGenetics, part of Exact Sciences
Classification: Uncertain significance for PAX8-related condition. Last evaluated: 2025-08-31. Review status: criteria provided, single submitter. Criteria: ACMG Guidelines, 2015. Collection method: clinical testing. Allele origin: germline.
Comment: The PAX8 c.992C>T variant is predicted to result in the amino acid substitution p.Ala331Val. To our knowledge, this variant has not been reported in the literature or in a large population database (gnomAD), indicating this variant is rare. This variant results in a synonymous change (c.1071C>T; p.=) in the alternate transcript for this gene (NM_003466). At this time, the clinical significance of this variant is uncertain due to the absence of conclusive functional and genetic evidence.